The following is an entry in ClinVar:

NM_004100.5(EYA4):c.1341-2A>G

Genes: EYA4 (EYA transcriptional coactivator and phosphatase 4; plus strand), TARID (TCF21 antisense RNA inducing promoter demethylation; minus strand). Cytogenetic location: 6q23.2.
Variant type: single nucleotide variant.
Coding change: c.1341-2A>G on transcript NM_004100.5 (MANE Select); the canonical splice acceptor site of the intron before coding-DNA position 1341, A replaced by G.
Molecular consequence: splice acceptor variant.
Genome position (GRCh38, 1-based): chr6:133,512,876, A>G. VCF-style: chr6-133512876-A-G. GRCh37 (hg19) VCF-style: chr6-133834014-A-G.
Other names: c.1359-2A>G (NM_001301013.2); c.1341-2A>G (NM_172105.4); c.1272-2A>G (NM_001370458.1, NM_172103.4); c.1197-2A>G (NM_001370459.1); c.1179-2A>G (NM_001301012.2).
Identifiers: ClinVar variation 499485 (VCV000499485.15), dbSNP rs1276849351, ClinGen allele CA365714851.
Genomic context (GRCh38, chr6:133,512,876, plus strand): 5'-AATTCGGCTGTGGAGTTTTGCACATGTAATTATTTCTTTTTAATGTATTTTGGGTGTTAC[A>G]GTACCTACAGTTTTGCAACTGATGGCTTCCATGCAGCTGCAAGTAGTGCAAACCTTTGTT-3'

ClinVar aggregate classification (germline): Likely pathogenic. Review status: criteria provided, multiple submitters, no conflicts (2 of 4 stars). 3 submissions from 3 submitters: Likely pathogenic (3). Last evaluated 2023-05-08.

Conditions:
Dilated cardiomyopathy 1J (CMD1J). Also called: CARDIOMYOPATHY, DILATED, WITH SENSORINEURAL HEARING LOSS, AUTOSOMAL DOMINANT. Identifiers: Orphanet 217622, MedGen C1854368, MONDO:0011541, OMIM 605362.

Allele frequency attached by ClinVar (database versions not stated): gnomAD exomes below 0.00001.

Submissions (3):

GeneDx
Classification: Likely pathogenic. Last evaluated: 2023-05-08. Review status: criteria provided, single submitter. Criteria: GeneDx Variant Classification Process June 2021. Collection method: clinical testing. Allele origin: germline. Affected: yes.
Comment: Identified in a patient with bilateral sensorineural hearing loss in published literature (Raymond et al., 2019); Canonical splice site variant predicted to result in a null allele in a gene for which loss of function is a known mechanism of disease; Not observed at significant frequency in large population cohorts (gnomAD); This variant is associated with the following publications: (PMID: 31163360)

Labcorp Genetics (formerly Invitae), Labcorp
Classification: Likely pathogenic for Dilated cardiomyopathy 1J. Last evaluated: 2023-01-28. Review status: criteria provided, single submitter. Criteria: Invitae Variant Classification Sherloc (09022015). Collection method: clinical testing. Allele origin: germline.
Comment: This sequence change affects an acceptor splice site in intron 15 of the EYA4 gene. It is expected to disrupt RNA splicing. Variants that disrupt the donor or acceptor splice site typically lead to a loss of protein function (PMID: 16199547), and loss-of-function variants in EYA4 are known to be pathogenic (PMID: 11159937, 25781927, 25963406). This variant is present in population databases (no rsID available, gnomAD 0.006%). Disruption of this splice site has been observed in individual(s) with clinical features of EYA4-related conditions (PMID: 31163360; Invitae). ClinVar contains an entry for this variant (Variation ID: 499485). Algorithms developed to predict the effect of sequence changes on RNA splicing suggest that this variant may disrupt the consensus splice site. In summary, the currently available evidence indicates that the variant is pathogenic, but additional data are needed to prove that conclusively. Therefore, this variant has been classified as Likely Pathogenic.

Eurofins Ntd Llc (ga)
Classification: Likely pathogenic. Last evaluated: 2017-02-02. Review status: criteria provided, single submitter. Criteria: EGL Classification Definitions 2015. Collection method: clinical testing. Allele origin: germline. Observed: 1 variant allele, 1 heterozygote.

Literature cited by the submitters: PubMed 16199547 (cited by Labcorp Genetics (formerly Invitae), Labcorp); PubMed 11159937 (cited by Labcorp Genetics (formerly Invitae), Labcorp); PubMed 25781927 (cited by Labcorp Genetics (formerly Invitae), Labcorp); PubMed 25963406 (cited by Labcorp Genetics (formerly Invitae), Labcorp); PubMed 31163360 (cited by Labcorp Genetics (formerly Invitae), Labcorp).